The following is an entry in ClinVar:

NM_000094.4(COL7A1):c.3202C>T (p.Arg1068Cys)

Gene: COL7A1 (collagen type VII alpha 1 chain; minus strand). Cytogenetic location: 3p21.31.
Variant type: single nucleotide variant.
Coding change: c.3202C>T on transcript NM_000094.4 (MANE Select); coding-DNA position 3202, C replaced by T.
Protein change: p.Arg1068Cys; replaces arginine 1068 with cysteine.
Molecular consequence: missense variant.
Genome position (GRCh38, 1-based): chr3:48,587,046, G>A on the plus strand (C>T on the coding strand, the complement: COL7A1 is on the minus strand). VCF-style: chr3-48587046-G-A. GRCh37 (hg19) VCF-style: chr3-48624479-G-A.
Other names: short protein forms R1068C.
Identifiers: ClinVar variation 2142159 (VCV002142159.6), dbSNP rs142720855, ClinGen allele CA2380604.

ClinVar aggregate classification (germline): Conflicting classifications of pathogenicity. Review status: criteria provided, conflicting classifications (1 of 4 stars). 3 submissions from 3 submitters: Uncertain significance (1); Likely benign (1). 1 of the submissions does not count toward it. Last evaluated 2026-01-28.

Conditions:
COL7A1-related disorder. Also called: COL7A1-related condition; COL7A1- related disorders.
Inborn genetic diseases. Identifiers: MedGen C0950123, MeSH D030342.

Allele frequency attached by ClinVar (database versions not stated): ExAC 0.00009; TOPMed 0.00010; gnomAD 0.00015; 1000 Genomes Project 0.00020; ESP Exome Variant Server 0.00023; 1000 Genomes Project 30x 0.00031.
gnomAD v4.1: 97 of 1,608,828 alleles (0.006%); highest among the groups gnomAD compares: African/African-American, 0.041%; no homozygotes.

Submissions (3):

Labcorp Genetics (formerly Invitae), Labcorp
Classification: Likely benign. Last evaluated: 2026-01-28. Review status: criteria provided, single submitter. Criteria: Invitae Variant Classification Sherloc (09022015). Collection method: clinical testing. Allele origin: germline.

Ambry Genetics
Classification: Uncertain significance for Inborn genetic diseases. Last evaluated: 2025-01-23. Review status: criteria provided, single submitter. Criteria: Ambry Variant Classification Scheme 2023. Collection method: clinical testing. Allele origin: germline.

PreventionGenetics, part of Exact Sciences
Classification: Uncertain significance for COL7A1-related condition. Last evaluated: 2024-05-06. Review status: no assertion criteria provided. Collection method: clinical testing. Allele origin: germline. Not counted in ClinVar's aggregate classification.
Comment: The COL7A1 c.3202C>T variant is predicted to result in the amino acid substitution p.Arg1068Cys. To our knowledge, this variant has not been reported in the literature. This variant is reported in 0.026% of alleles in individuals of African descent in gnomAD. At this time, the clinical significance of this variant is uncertain due to the absence of conclusive functional and genetic evidence.